The following is an entry in ClinVar:

NM_001172303.3(MASTL):c.1645T>A (p.Leu549Ile)

Gene: MASTL (microtubule associated serine/threonine kinase like; plus strand). Cytogenetic location: 10p12.1.
Variant type: single nucleotide variant.
Coding change: c.1645T>A on transcript NM_001172303.3 (MANE Select); coding-DNA position 1645, T replaced by A.
Protein change: p.Leu549Ile; replaces leucine 549 with isoleucine.
Molecular consequence: missense variant. On other transcripts: non-coding transcript variant (1).
Genome position (GRCh38, 1-based): chr10:27,170,604, T>A. VCF-style: chr10-27170604-T-A. GRCh37 (hg19) VCF-style: chr10-27459533-T-A.
Other names: p.Leu549Ile; c.1645T>A, p.Leu549Ile (NM_001172304.3, NM_001320756.2, NM_001320757.2 and 1 more transcripts); c.1162T>A, p.Leu388Ile (NM_001372029.1, NM_001372030.1); short protein forms L388I, L549I.
Identifiers: ClinVar variation 4541534 (VCV004541534.1).
Genomic context (GRCh38, chr10:27,170,604, plus strand): 5'-GCAAAAAACCTTATGTGTGAACTCGATGAAGACTGTGAAAAGAATAGTAAGAGGGACTAC[T>A]TAAGTTCTAGTTTTCTATGTTCTGATGATGATAGAGCTTCTAAAAATATTTCTATGAACT-3'
Protein context (NP_001165774.1, residues 539-559): DCEKNSKRDY[Leu549Ile]SSSFLCSDDD

ClinVar aggregate classification (germline): Uncertain significance (1 of 4 stars; one submission).

gnomAD v4.1: 1 of 1,608,476 alleles (0.000062%); highest among the groups gnomAD compares: Non-Finnish European, 0.000085%; no homozygotes.

Submission:

Mayo Clinic Laboratories, Mayo Clinic
Classification: Uncertain significance. Last evaluated: 2025-05-08. Review status: criteria provided, single submitter. Criteria: ACMG Guidelines, 2015. Collection method: clinical testing. Allele origin: germline. Observed: 1 variant allele.
Comment: BP4_moderate, PM2_supporting